The following is an entry in ClinVar:

NM_006268.5(DPF2):c.782A>C (p.Lys261Thr)

Gene: DPF2 (double PHD fingers 2; plus strand). Cytogenetic location: 11q13.1.
Variant type: single nucleotide variant.
Coding change: c.782A>C on transcript NM_006268.5 (MANE Select); coding-DNA position 782, A replaced by C.
Protein change: p.Lys261Thr; replaces lysine 261 with threonine.
Molecular consequence: missense variant.
Genome position (GRCh38, 1-based): chr11:65,345,936, A>C. VCF-style: chr11-65345936-A-C. GRCh37 (hg19) VCF-style: chr11-65113407-A-C.
Other names: c.824A>C, p.Lys275Thr (NM_001330308.2); short protein forms K275T, K261T.
Identifiers: ClinVar variation 5035572 (VCV005035572.1).
Genomic context (GRCh38, chr11:65,345,936, plus strand): 5'-GTTGAGTGGCTCAGGGACCCCCATGGGTGTCATCAAAACTCTTTCTCTCTGTAGCCAAAA[A>C]GGGTCCTGATGGATTGGCCTTGCCCAACAACTACTGTGACTTCTGCCTGGGGGACTCAAA-3'
Protein context (NP_006259.1, residues 251-271): SQRSEEQKSK[Lys261Thr]GPDGLALPNN

ClinVar aggregate classification (germline): Uncertain significance (1 of 4 stars; one submission).

Conditions:
Inborn genetic diseases. Identifiers: MedGen C0950123, MeSH D030342.

gnomAD v4.1: 6 of 1,614,014 alleles (0.00037%); highest among the groups gnomAD compares: Admixed American, 0.005%; no homozygotes.

Submission:

Ambry Genetics
Classification: Uncertain significance for Inborn genetic diseases. Last evaluated: 2026-07-28. Review status: criteria provided, single submitter. Criteria: Ambry Variant Classification Scheme 2023. Collection method: clinical testing. Allele origin: germline.
Comment: The c.782A>C (p.K261T) alteration is located in exon 8 (coding exon 8) of the DPF2 gene. This alteration results from a A to C substitution at nucleotide position 782, causing the lysine (K) at amino acid position 261 to be replaced by a threonine (T). Based on data from gnomAD, the C allele has an overall frequency of <0.001% (1/251392) total alleles studied. The highest observed frequency was 0.006% (1/16254) of African alleles. Based on insufficient or conflicting evidence, the clinical significance of this alteration remains unclear.